The following is an entry in ClinVar:

ClinVar aggregate classification (germline): Pathogenic/Likely pathogenic. Review status: criteria provided, multiple submitters, no conflicts (2 of 4 stars). 7 submissions from 7 submitters: Pathogenic (4); Likely pathogenic (1). 2 of the submissions do not count toward it. Last evaluated 2024-05-23.

Conditions:
BMP1-related disorder. Also called: BMP1-related condition.
Osteogenesis imperfecta type 13. Also called: Osteogenesis imperfecta, type xiii; OI, TYPE XIII. Identifiers: Orphanet 666, MedGen C3553887, MONDO:0013924, OMIM 614856.
Osteogenesis imperfecta (OI). Identifiers: Orphanet 666, MedGen C0029434, MeSH D010013, MONDO:0019019.
Abnormality of the skeletal system. Identifiers: MedGen C4021790, HP:0000924.

Allele frequency attached by ClinVar (database versions not stated): ExAC 0.00001; gnomAD 0.00001; gnomAD exomes 0.00001; TOPMed 0.00001; 1000 Genomes Project 30x 0.00016.
gnomAD v4.1: 10 of 1,564,780 alleles (0.00064%); highest among the groups gnomAD compares: South Asian, 0.0023%; no homozygotes.

Submissions (7):

Fulgent Genetics
Classification: Pathogenic for Osteogenesis imperfecta type 13. Last evaluated: 2024-05-23. Review status: criteria provided, single submitter. Criteria: ACMG Guidelines, 2015. Collection method: clinical testing. Allele origin: germline.

Women's Health and Genetics/Laboratory Corporation of America, LabCorp
Classification: Pathogenic for Osteogenesis imperfecta. Last evaluated: 2024-05-14. Review status: criteria provided, single submitter. Criteria: LabCorp Variant Classification Summary - May 2015. Collection method: clinical testing. Allele origin: germline.
Comment: Variant summary: BMP1 c.34G>C (p.Gly12Arg) results in a non-conservative amino acid change in the encoded protein sequence. Three of four in-silico tools predict a benign effect of the variant on protein function. The variant allele was found at a frequency of 1.1e-05 in 185424 control chromosomes. c.34G>C has been reported in the literature in individuals affected with Osteogenesis Imperfecta (example, Syx_2015,Valencia_2013). These data indicate that the variant is likely to be associated with disease. At least one publication reports experimental evidence evaluating an impact on protein function. The most pronounced variant effect results in <10% of normal transcripts in fibroblasts from a patient carrying homozygous p.Gly12Arg (Valencia_2013). The following publications have been ascertained in the context of this evaluation (PMID: 25656619, 24648371). ClinVar contains an entry for this variant (Variation ID: 37307). Based on the evidence outlined above, the variant was classified as pathogenic.

Labcorp Genetics (formerly Invitae), Labcorp
Classification: Pathogenic. Last evaluated: 2023-06-17. Review status: criteria provided, single submitter. Criteria: Invitae Variant Classification Sherloc (09022015). Collection method: clinical testing. Allele origin: germline.
Comment: For these reasons, this variant has been classified as Pathogenic. Experimental studies have shown that this missense change affects BMP1 function (PMID: 22482805). An algorithm developed to predict the effect of missense changes on protein structure and function (PolyPhen-2) suggests that this variant is likely to be tolerated. ClinVar contains an entry for this variant (Variation ID: 37307). This missense change has been observed in individuals with osteogenesis imperfecta (PMID: 22482805, 24091809, 29499418). It has also been observed to segregate with disease in related individuals. This variant is present in population databases (rs318240762, gnomAD 0.002%). This sequence change replaces glycine, which is neutral and non-polar, with arginine, which is basic and polar, at codon 12 of the BMP1 protein (p.Gly12Arg).

Blueprint Genetics
Classification: Pathogenic for BMP1-related disorders. Last evaluated: 2022-11-18. Review status: criteria provided, single submitter. Criteria: ACMG Guidelines, 2015. Collection method: clinical testing. Allele origin: germline. Affected: yes. Observed: 1 variant allele.

Kariminejad - Najmabadi Pathology & Genetics Center
Classification: Likely pathogenic for Abnormality of the skeletal system. Last evaluated: 2021-07-10. Review status: criteria provided, single submitter. Criteria: ACMG Guidelines, 2015. Collection method: clinical testing. Allele origin: germline. Affected: yes.

OMIM
Classification: Pathogenic for OSTEOGENESIS IMPERFECTA, TYPE XIII. Last evaluated: 2014-05-01. Review status: no assertion criteria provided. Collection method: literature only. Allele origin: germline. Not counted in ClinVar's aggregate classification.

UniProtKB/Swiss-Prot
No classification provided. Review status: no classification provided. Collection method: not provided. Allele origin: not provided. Not counted in ClinVar's aggregate classification.
Comment: results in severely reduced post-translational N-glycosylation and reduced protein secretion

Literature cited by the submitters: PubMed 25656619 (cited by Women's Health and Genetics/Laboratory Corporation of America, LabCorp); PubMed 24648371 (cited by Women's Health and Genetics/Laboratory Corporation of America, LabCorp and OMIM); PubMed 22482805 (cited by Labcorp Genetics (formerly Invitae), Labcorp and OMIM); PubMed 24091809 (cited by Labcorp Genetics (formerly Invitae), Labcorp); PubMed 29499418 (cited by Labcorp Genetics (formerly Invitae), Labcorp).

NM_006129.5(BMP1):c.34G>C (p.Gly12Arg)

Genes: BMP1 (bone morphogenetic protein 1; plus strand), LOC129999976 (ATAC-STARR-seq lymphoblastoid silent region 18982; plus strand). Cytogenetic location: 8p21.3.
Variant type: single nucleotide variant.
Coding change: c.34G>C on transcript NM_006129.5 (MANE Select); coding-DNA position 34, G replaced by C.
Protein change: p.Gly12Arg; replaces glycine 12 with arginine.
Molecular consequence: missense variant. On other transcripts: non-coding transcript variant (2).
Genome position (GRCh38, 1-based): chr8:22,165,439, G>C. VCF-style: chr8-22165439-G-C. GRCh37 (hg19) VCF-style: chr8-22022952-G-C.
Other names: c.34G>C, p.Gly12Arg (NM_001199.4); short protein forms G12R.
Identifiers: ClinVar variation 37307 (VCV000037307.31), dbSNP rs318240762, ClinGen allele CA130156.